The following is an entry in ClinVar:

NM_006218.4(PIK3CA):c.1528C>A (p.His510Asn)

Gene: PIK3CA (phosphatidylinositol-4,5-bisphosphate 3-kinase catalytic subunit alpha; plus strand). Cytogenetic location: 3q26.32.
Variant type: single nucleotide variant.
Coding change: c.1528C>A on transcript NM_006218.4 (MANE Select); coding-DNA position 1528, C replaced by A.
Protein change: p.His510Asn; replaces histidine 510 with asparagine.
Molecular consequence: missense variant.
Genome position (GRCh38, 1-based): chr3:179,210,554, C>A. VCF-style: chr3-179210554-C-A. GRCh37 (hg19) VCF-style: chr3-178928342-C-A.
Other names: c.1528C>A (LRG_310t1, NM_006218.3); short protein forms H510N.
Identifiers: ClinVar variation 456529 (VCV000456529.17), dbSNP rs199747934, ClinGen allele CA88522760.
Genomic context (GRCh38, chr3:179,210,554, plus strand): 5'-TCAGTGATTGAAGAGCATGCCAATTGGTCTGTATCCCGAGAAGCAGGATTTAGCTATTCC[C>A]ACGCAGGACTGGTAAGGCAAATCACTGAGTTTATTAAGTATCAATTATAATCTGTGGATT-3'
Protein context (NP_006209.2, residues 500-520): VSREAGFSYS[His510Asn]AGLSNRLARD

ClinVar aggregate classification (germline): Uncertain significance. Review status: criteria provided, multiple submitters, no conflicts (2 of 4 stars). 4 submissions from 4 submitters: Uncertain significance (4). Last evaluated 2025-10-23.

Conditions:
PIK3CA-related disorder. Also called: PIK3CA-related disorders; PIK3CA- related disease; PIK3CA-related condition.
Cowden syndrome (CS). Also called: Cowden's disease; Cowden's syndrome; Cowden disease. Identifiers: Orphanet 201, MedGen C0018553, MONDO:0016063. Disease mechanism: gain of function.

Allele frequency attached by ClinVar (database versions not stated): TOPMed 0.00003; gnomAD exomes 0.00002 and 0.00005; gnomAD 0.00005; ESP Exome Variant Server 0.00017.
gnomAD v4.1: 83 of 1,613,666 alleles (0.0051%); highest among the groups gnomAD compares: Non-Finnish European, 0.0068%; no homozygotes.

Submissions (4):

Labcorp Genetics (formerly Invitae), Labcorp
Classification: Uncertain significance for Cowden syndrome. Last evaluated: 2025-10-23. Review status: criteria provided, single submitter. Criteria: Invitae Variant Classification Sherloc (09022015). Collection method: clinical testing. Allele origin: germline.
Comment: This sequence change replaces histidine, which is basic and polar, with asparagine, which is neutral and polar, at codon 510 of the PIK3CA protein (p.His510Asn). This variant is present in population databases (rs199747934, gnomAD 0.005%). This variant has not been reported in the literature in individuals affected with PIK3CA-related conditions. ClinVar contains an entry for this variant (Variation ID: 456529). Invitae Evidence Modeling of protein sequence and biophysical properties (such as structural, functional, and spatial information, amino acid conservation, physicochemical variation, residue mobility, and thermodynamic stability) has been performed for this missense variant. However, the output from this modeling did not meet the statistical confidence thresholds required to predict the impact of this variant on PIK3CA protein function. In summary, the available evidence is currently insufficient to determine the role of this variant in disease. Therefore, it has been classified as a Variant of Uncertain Significance.

PreventionGenetics, part of Exact Sciences
Classification: Uncertain significance for PIK3CA-related condition. Last evaluated: 2025-04-24. Review status: criteria provided, single submitter. Criteria: ACMG Guidelines, 2015. Collection method: clinical testing. Allele origin: germline.
Comment: The PIK3CA c.1528C>A variant is predicted to result in the amino acid substitution p.His510Asn. To our knowledge, this variant has not been reported in the literature. This variant is reported in 0.0040% of alleles in individuals of European (Finnish) descent in gnomAD, which is more common than expected for PIK3CA-related overgrowth disorders. Although we suspect that this variant may be benign, at this time, the clinical significance of this variant is uncertain due to the absence of conclusive functional and genetic evidence.

Clinical Genomics Laboratory, Washington University in St. Louis
Classification: Uncertain significance for PIK3CA-Related Disorders. Last evaluated: 2023-08-07. Review status: criteria provided, single submitter. Criteria: ACMG Guidelines, 2015. Collection method: clinical testing. Allele origin: germline.
Comment: The PIK3CA c.1528C>A (p.His510Asn) variant was identified at a near heterozygous allelic fraction. This variant has been reported in the ClinVar database as a variant of uncertain significance by two submitters (ClinVar Variation ID:456529), and it has been reported in one case in the cancer database COSMIC (COSMIC Mutation ID: COSV55977943). The PIK3CA c.1528C>A (p.His510Asn) variant is only observed on 8/152164 alleles in the general population (gnomAD v.2.1.1), indicating it is not a common variant. Computational predictors are conflicting as to the impact of this variant on the PIK3CA function. Due to limited information and based on ACMG/AMP guidelines for variant interpretation (Richards S et al., PMID: 25741868), the clinical significance of this variant is uncertain at this time.

Institute for Clinical Genetics, University Hospital TU Dresden, University Hospital TU Dresden
Classification: Uncertain significance. Last evaluated: 2021-11-03. Review status: criteria provided, single submitter. Criteria: ACMG Guidelines, 2015. Collection method: clinical testing. Allele origin: germline.